The following is an entry in ClinVar:

NM_138927.4(SON):c.2814T>G (p.Gly938=)

Gene: SON (SON DNA and RNA binding protein; plus strand). Cytogenetic location: 21q22.11.
Variant type: single nucleotide variant.
Coding change: c.2814T>G on transcript NM_138927.4 (MANE Select); coding-DNA position 2814, T replaced by G.
Protein change: p.Gly938=; no amino-acid change (glycine 938 retained).
Molecular consequence: synonymous variant. On other transcripts: non-coding transcript variant (1), intron variant (1).
Genome position (GRCh38, 1-based): chr21:33,552,045, T>G. VCF-style: chr21-33552045-T-G. GRCh37 (hg19) VCF-style: chr21-34924351-T-G.
Other names: c.2814T>G (NM_138927.2); c.2814T>G, p.Gly938= (NM_001291411.2, NM_032195.3); c.245-5111T>G (NM_001291412.3).
Identifiers: ClinVar variation 716622 (VCV000716622.35), dbSNP rs139823990, ClinGen allele CA10009174.
Genomic context (GRCh38, chr21:33,552,045, plus strand): 5'-GGATCCTTACAGGTTAGCTCAGGATCCCTATAGGTTGGGCCATGACCCCTATAGATTAGG[T>G]CATGATGCTTACAGGTTAGGACAAGACCCTTATAGATTAGGCCATGATCCCTACAGACTA-3'
Protein context (NP_620305.3, residues 928-948): YRLGHDPYRL[Gly938=]HDAYRLGQDP

ClinVar aggregate classification (germline): Benign/Likely benign. Review status: criteria provided, multiple submitters, no conflicts (2 of 4 stars). 4 submissions from 4 submitters: Benign (1); Likely benign (2). 1 of the submissions does not count toward it. Last evaluated 2026-01-07.

Conditions:
SON-related disorder. Also called: SON-related condition.

Allele frequency attached by ClinVar (database versions not stated): gnomAD exomes 0.00023 and 0.00061; ExAC 0.00074; 1000 Genomes Project 0.00220; gnomAD 0.00229 and 0.00240; 1000 Genomes Project 30x 0.00250; TOPMed 0.00257; ESP Exome Variant Server 0.00361.

Submissions (4):

Labcorp Genetics (formerly Invitae), Labcorp
Classification: Benign. Last evaluated: 2026-01-07. Review status: criteria provided, single submitter. Criteria: Invitae Variant Classification Sherloc (09022015). Collection method: clinical testing. Allele origin: germline.

Blueprint Genetics
Classification: Likely benign. Last evaluated: 2024-09-09. Review status: criteria provided, single submitter. Criteria: ACMG Guidelines, 2015. Collection method: clinical testing. Allele origin: germline.

CeGaT Center for Human Genetics Tuebingen
Classification: Likely benign. Last evaluated: 2022-12-01. Review status: criteria provided, single submitter. Criteria: CeGaT Center For Human Genetics Tuebingen Variant Classification Criteria Version 2. Collection method: clinical testing. Allele origin: germline. Affected: yes. Observed: 1 variant allele.
Comment: SON: BP4, BP7

PreventionGenetics, part of Exact Sciences
Classification: Benign for SON-related condition. Last evaluated: 2021-03-09. Review status: no assertion criteria provided. Collection method: clinical testing. Allele origin: germline. Not counted in ClinVar's aggregate classification.
Comment: This variant is classified as benign based on ACMG/AMP sequence variant interpretation guidelines (Richards et al. 2015 PMID: 25741868, with internal and published modifications).